The following is an entry in ClinVar:

ClinVar aggregate classification (germline): Uncertain significance (1 of 4 stars; one submission).

Submission:

Ambry Genetics
Classification: Uncertain significance. Last evaluated: 2021-11-22. Review status: criteria provided, single submitter. Criteria: Ambry Variant Classification Scheme 2023. Collection method: clinical testing. Allele origin: germline.
Comment: The p.S204R variant (also known as c.612T>G), located in coding exon 7 of the RAD54L gene, results from a T to G substitution at nucleotide position 612. The serine at codon 204 is replaced by arginine, an amino acid with dissimilar properties. This amino acid position is conserved. In addition, the in silico prediction for this alteration is inconclusive. Since supporting evidence is limited at this time, the clinical significance of this alteration remains unclear.

NM_003579.4(RAD54L):c.612T>G (p.Ser204Arg)

Gene: RAD54L (RAD54 like; plus strand). Cytogenetic location: 1p34.1.
Variant type: single nucleotide variant.
Coding change: c.612T>G on transcript NM_003579.4 (MANE Select); coding-DNA position 612, T replaced by G.
Protein change: p.Ser204Arg; replaces serine 204 with arginine.
Molecular consequence: missense variant.
Genome position (GRCh38, 1-based): chr1:46,260,861, T>G. VCF-style: chr1-46260861-T-G. GRCh37 (hg19) VCF-style: chr1-46726533-T-G.
Other names: c.612T>G, p.Ser204Arg (NM_001142548.2); c.72T>G, p.Ser24Arg (NM_001370766.1); short protein forms S204R, S24R.
Identifiers: ClinVar variation 1751794 (VCV001751794.2), dbSNP rs2148288388, ClinGen allele CA340186606.